The following is an entry in ClinVar:

ClinVar aggregate classification (germline): Uncertain significance. Review status: criteria provided, multiple submitters, no conflicts (2 of 4 stars). 2 submissions from 2 submitters: Uncertain significance (2). Last evaluated 2023-10-26.

Conditions:
Fanconi anemia (FA). Also called: Fanconi's anemia. Identifiers: Orphanet 84, MedGen C0015625, MeSH D005199, MONDO:0019391.

Allele frequency attached by ClinVar (database versions not stated): gnomAD exomes below 0.00001; TOPMed below 0.00001; ExAC 0.00001.
gnomAD v4.1: 6 of 1,613,952 alleles (0.00037%); highest among the groups gnomAD compares: Middle Eastern, 0.016%; no homozygotes.

Submissions (2):

Blueprint Genetics
Classification: Uncertain significance. Last evaluated: 2023-10-26. Review status: criteria provided, single submitter. Criteria: ACMG Guidelines, 2015. Collection method: clinical testing. Allele origin: germline.

Labcorp Genetics (formerly Invitae), Labcorp
Classification: Uncertain significance for Fanconi anemia. Last evaluated: 2021-05-26. Review status: criteria provided, single submitter. Criteria: Invitae Variant Classification Sherloc (09022015). Collection method: clinical testing. Allele origin: germline.
Comment: This sequence change replaces proline with serine at codon 364 of the SLX4 protein (p.Pro364Ser). The proline residue is moderately conserved and there is a moderate physicochemical difference between proline and serine. In summary, the available evidence is currently insufficient to determine the role of this variant in disease. Therefore, it has been classified as a Variant of Uncertain Significance. Algorithms developed to predict the effect of missense changes on protein structure and function are either unavailable or do not agree on the potential impact of this missense change (SIFT: "Deleterious"; PolyPhen-2: "Probably Damaging"; Align-GVGD: "Class C0"). This variant has not been reported in the literature in individuals with SLX4-related conditions. This variant is present in population databases (rs775276756, ExAC 0.002%).

NM_032444.4(SLX4):c.1090C>T (p.Pro364Ser)

Gene: SLX4 (SLX4 structure-specific endonuclease subunit; minus strand). Cytogenetic location: 16p13.3.
Variant type: single nucleotide variant.
Coding change: c.1090C>T on transcript NM_032444.4 (MANE Select); coding-DNA position 1090, C replaced by T.
Protein change: p.Pro364Ser; replaces proline 364 with serine.
Molecular consequence: missense variant.
Genome position (GRCh38, 1-based): chr16:3,601,052, G>A on the plus strand (C>T on the coding strand, the complement: SLX4 is on the minus strand). VCF-style: chr16-3601052-G-A. GRCh37 (hg19) VCF-style: chr16-3651053-G-A.
Other names: short protein forms P364S.
Identifiers: ClinVar variation 1486881 (VCV001486881.7), dbSNP rs775276756, ClinGen allele CA7866645.